The following is an entry in ClinVar:

ClinVar aggregate classification (germline): Pathogenic/Likely pathogenic. Review status: criteria provided, multiple submitters, no conflicts (2 of 4 stars). 2 submissions from 2 submitters: Pathogenic (1); Likely pathogenic (1). Last evaluated 2022-07-12.

Conditions:
Epilepsy, childhood absence, susceptibility to, 5. Identifiers: Orphanet 64280, MedGen C2677087, MONDO:0012843, OMIM 612269.
Epilepsy, childhood absence, susceptibility to, 1. Also called: Epilepsy, childhood absence 1. Identifiers: Orphanet 64280, MedGen C1838604, MONDO:0020759, OMIM 600131.
Epileptic encephalopathy. Identifiers: MedGen C0543888, HP:0200134.

Submissions (2):

Labcorp Genetics (formerly Invitae), Labcorp
Classification: Pathogenic for Epilepsy, childhood absence, susceptibility to, 5; Epilepsy, childhood absence, susceptibility to, 1. Last evaluated: 2022-07-12. Review status: criteria provided, single submitter. Criteria: Invitae Variant Classification Sherloc (09022015). Collection method: clinical testing. Allele origin: germline.
Comment: This sequence change replaces serine, which is neutral and polar, with phenylalanine, which is neutral and non-polar, at codon 254 of the GABRB3 protein (p.Ser254Phe). This variant is not present in population databases (gnomAD no frequency). This missense change has been observed in individual(s) with early infantile epileptic encephalopathy (PMID: 27864847, 30185235). In at least one individual the variant was observed to be de novo. ClinVar contains an entry for this variant (Variation ID: 375531). Advanced modeling of protein sequence and biophysical properties (such as structural, functional, and spatial information, amino acid conservation, physicochemical variation, residue mobility, and thermodynamic stability) performed at Invitae indicates that this missense variant is expected to disrupt GABRB3 protein function. For these reasons, this variant has been classified as Pathogenic.

Neurogenetics Laboratory - MEYER, AOU Meyer
Classification: Likely pathogenic for Epileptic encephalopathy. Last evaluated: 2016-11-16. Review status: criteria provided, single submitter. Criteria: ACMG Guidelines, 2015. Collection method: clinical testing. Allele origin: de novo. Affected: yes. Observed: 1 heterozygote.

Literature cited by the submitters: PubMed 27864847 (cited by Labcorp Genetics (formerly Invitae), Labcorp); PubMed 30185235 (cited by Labcorp Genetics (formerly Invitae), Labcorp).

NM_000814.6(GABRB3):c.761C>T (p.Ser254Phe)

Gene: GABRB3 (gamma-aminobutyric acid type A receptor subunit beta3; minus strand). Cytogenetic location: 15q12.
Variant type: single nucleotide variant.
Coding change: c.761C>T on transcript NM_000814.6 (MANE Select); coding-DNA position 761, C replaced by T.
Protein change: p.Ser254Phe; replaces serine 254 with phenylalanine.
Molecular consequence: missense variant.
Genome position (GRCh38, 1-based): chr15:26,567,655, G>A on the plus strand (C>T on the coding strand, the complement: GABRB3 is on the minus strand). VCF-style: chr15-26567655-G-A. GRCh37 (hg19) VCF-style: chr15-26812802-G-A.
Other names: c.506C>T, p.Ser169Phe (NM_001191320.2, NM_001278631.2); c.548C>T, p.Ser183Phe (NM_001191321.3); c.761C>T, p.Ser254Phe (NM_021912.5); short protein forms S254F, S169F, S183F.
Identifiers: ClinVar variation 375531 (VCV000375531.5), dbSNP rs1057519549, ClinGen allele CA16044328.